The following is an entry in ClinVar:

ClinVar aggregate classification (germline): Likely benign (0 of 4 stars; one submission).

Conditions:
PHF3-related disorder. Also called: PHF3-related condition.

Allele frequency attached by ClinVar (database versions not stated): TOPMed 0.00001; gnomAD exomes 0.00007; 1000 Genomes Project 30x 0.00016; 1000 Genomes Project 0.00020; gnomAD 0.00021; ExAC 0.00023.
gnomAD v4.1: 134 of 1,543,714 alleles (0.0087%); highest among the groups gnomAD compares: Non-Finnish European, 0.00071%; no homozygotes.

Submission:

PreventionGenetics, part of Exact Sciences
Classification: Likely benign for PHF3-related condition. Last evaluated: 2023-03-24. Review status: no assertion criteria provided. Collection method: clinical testing. Allele origin: germline.
Comment: This variant is classified as likely benign based on ACMG/AMP sequence variant interpretation guidelines (Richards et al. 2015 PMID: 25741868, with internal and published modifications).

NM_001370348.2(PHF3):c.2996A>G (p.Lys999Arg)

Gene: PHF3 (PHD finger protein 3; plus strand). Cytogenetic location: 6q12.
Variant type: single nucleotide variant.
Coding change: c.2996A>G on transcript NM_001370348.2 (MANE Select); coding-DNA position 2996, A replaced by G.
Protein change: p.Lys999Arg; replaces lysine 999 with arginine.
Molecular consequence: missense variant.
Genome position (GRCh38, 1-based): chr6:63,700,363, A>G. VCF-style: chr6-63700363-A-G. GRCh37 (hg19) VCF-style: chr6-64410253-A-G.
Other names: c.2732A>G, p.Lys911Arg (NM_001290259.2, NM_001370349.2); c.803A>G, p.Lys268Arg (NM_001370350.2); c.2996A>G, p.Lys999Arg (NM_015153.4); short protein forms K268R, K911R, K999R.
Identifiers: ClinVar variation 3061569 (VCV003061569.2), dbSNP rs190292841, ClinGen allele CA3876050.